The following is an entry in ClinVar:

ClinVar aggregate classification (germline): Uncertain significance (1 of 4 stars; one submission).

Submission:

Labcorp Genetics (formerly Invitae), Labcorp
Classification: Uncertain significance. Last evaluated: 2024-01-08. Review status: criteria provided, single submitter. Criteria: Invitae Variant Classification Sherloc (09022015). Collection method: clinical testing. Allele origin: germline.
Comment: This sequence change replaces glutamic acid, which is acidic and polar, with aspartic acid, which is acidic and polar, at codon 943 of the SAMD9L protein (p.Glu943Asp). This variant is not present in population databases (gnomAD no frequency). This variant has not been reported in the literature in individuals affected with SAMD9L-related conditions. ClinVar contains an entry for this variant (Variation ID: 1721786). Advanced modeling of protein sequence and biophysical properties (such as structural, functional, and spatial information, amino acid conservation, physicochemical variation, residue mobility, and thermodynamic stability) performed at Invitae indicates that this missense variant is expected to disrupt SAMD9L protein function with a positive predictive value of 80%. In summary, the available evidence is currently insufficient to determine the role of this variant in disease. Therefore, it has been classified as a Variant of Uncertain Significance.

NM_152703.5(SAMD9L):c.2829A>C (p.Glu943Asp)

Gene: SAMD9L (sterile alpha motif domain containing 9 like; minus strand). Cytogenetic location: 7q21.2.
Variant type: single nucleotide variant.
Coding change: c.2829A>C on transcript NM_152703.5 (MANE Select); coding-DNA position 2829, A replaced by C.
Protein change: p.Glu943Asp; replaces glutamic acid 943 with aspartic acid.
Molecular consequence: missense variant.
Genome position (GRCh38, 1-based): chr7:93,133,143, T>G on the plus strand (A>C on the coding strand, the complement: SAMD9L is on the minus strand). VCF-style: chr7-93133143-T-G. GRCh37 (hg19) VCF-style: chr7-92762456-T-G.
Other names: c.2829A>C, p.Glu943Asp (NM_001303496.3, NM_001303497.3, NM_001303498.3 and 5 more transcripts); short protein forms E943D.
Identifiers: ClinVar variation 1721786 (VCV001721786.5), dbSNP rs2535417161, ClinGen allele CA368186311.